The following is an entry in ClinVar:

ClinVar aggregate classification (germline): Uncertain significance (1 of 4 stars; one submission).

Conditions:
Intellectual developmental disorder, X-linked, syndromic, Turner type. Also called: X-linked intellectual disability, Turner type; Intellectual disability, X-linked syndromic, Turner type. Identifiers: Orphanet 3056, Orphanet 85328, MedGen C2678046, MONDO:0010407, OMIM 309590.

Submission:

3billion
Classification: Uncertain significance for Intellectual developmental disorder, X-linked, syndromic, Turner type. Last evaluated: 2025-12-26. Review status: criteria provided, single submitter. Criteria: ACMG Guidelines, 2015. Collection method: clinical testing. Allele origin: germline. Affected: yes.
Comment: The variant is not observed in the gnomAD v4.1.0 dataset. Predicted Consequence/Location: Missense variant In silico tool predictions suggest damaging effect of the variant on gene or gene product [REVEL: 0.83 (>=0.6, sensitivity 0.68 and specificity 0.92)]. A different missense change at the same codon (p.Tyr4031His) has been reported to be associated with HUWE1-related disorder (ClinVar ID: VCV003393024). However the evidence of pathogenicity is insufficient at this time. Therefore, this variant is classified as VUS according to the recommendation of ACMG/AMP guideline.

NM_031407.7(HUWE1):c.12092A>G (p.Tyr4031Cys)

Gene: HUWE1 (HECT, UBA and WWE domain containing E3 ubiquitin protein ligase 1; minus strand). Cytogenetic location: Xp11.22.
Variant type: single nucleotide variant.
Coding change: c.12092A>G on transcript NM_031407.7 (MANE Select); coding-DNA position 12092, A replaced by G.
Protein change: p.Tyr4031Cys; replaces tyrosine 4031 with cysteine.
Molecular consequence: missense variant.
Genome position (GRCh38, 1-based): chrX:53,537,601, T>C on the plus strand (A>G on the coding strand, the complement: HUWE1 is on the minus strand). VCF-style: chrX-53537601-T-C. GRCh37 (hg19) VCF-style: chrX-53564562-T-C.
Other names: c.12044A>G, p.Tyr4015Cys (NM_001441048.1, NM_001441053.1, NM_001441058.1); c.12047A>G, p.Tyr4016Cys (NM_001441049.1, NM_001441054.1); c.12068A>G, p.Tyr4023Cys (NM_001441050.1, NM_001441055.1); c.12089A>G, p.Tyr4030Cys (NM_001441051.1, NM_001441056.1); c.11690A>G, p.Tyr3897Cys (NM_001441052.1); c.12092A>G, p.Tyr4031Cys (NM_001441057.1); short protein forms Y3897C, Y4015C, Y4016C, Y4023C, Y4030C, Y4031C.
Identifiers: ClinVar variation 4855270 (VCV004855270.1).
Genomic context (GRCh38, chrX:53,537,601, plus strand): 5'-TTCCTGGGCCCTTACAATCGATTCTTCATTTCTTCGGGGGATTTGCGATGCAGCTCACGA[T>C]AGGAGTCTTCAAACACATGGTCACGACGGACATGCACAGCCATGTCTTCTTTCCGGAGCC-3'
Protein context (NP_113584.3, residues 4021-4041): VRRDHVFEDS[Tyr4031Cys]RELHRKSPEE